The following is an entry in ClinVar:

ClinVar aggregate classification (germline): Likely benign. Review status: criteria provided, multiple submitters, no conflicts (2 of 4 stars). 4 submissions from 4 submitters: Likely benign (4). Last evaluated 2025-08-29.

Conditions:
Tuberous sclerosis syndrome (TSC). Also called: Tuberous Sclerosis Complex; Tuberous sclerosis. Identifiers: Orphanet 805, MedGen C0041341, MONDO:0001734.
Tuberous sclerosis 2 (TSC2). Identifiers: Orphanet 805, MedGen C1860707, MONDO:0013199, OMIM 613254.

gnomAD v4.1: 1 of 1,613,574 alleles (0.000062%); highest among the groups gnomAD compares: Non-Finnish European, 0.000085%; no homozygotes.

Submissions (4):

Labcorp Genetics (formerly Invitae), Labcorp
Classification: Likely benign for Tuberous sclerosis 2. Last evaluated: 2025-08-29. Review status: criteria provided, single submitter. Criteria: Invitae Variant Classification Sherloc (09022015). Collection method: clinical testing. Allele origin: germline.

Myriad Genetics, Inc.
Classification: Likely benign for Tuberous sclerosis 2. Last evaluated: 2025-05-15. Review status: criteria provided, single submitter. Criteria: Myriad Autosomal Dominant, Autosomal Recessive and X-Linked Classification Criteria (2023). Collection method: clinical testing. Allele origin: unknown.
Comment: This variant is considered likely benign. This variant is intronic and is not expected to impact mRNA splicing.

All of Us Research Program, National Institutes of Health
Classification: Likely benign for Tuberous sclerosis syndrome. Last evaluated: 2023-10-02. Review status: criteria provided, single submitter. Criteria: ACMG Guidelines, 2015. Collection method: clinical testing. Allele origin: germline. Inheritance: Autosomal dominant inheritance. Observed: 1 variant allele, 1 heterozygote.
Comment: This study involves interpretation of variants in research participants for the purpose of population health screening. Participant phenotype was not available at the time of variant classification. Additional details can be found in publication PMID: 35346344, PMCID: PMC8962531

Color Diagnostics, LLC DBA Color Health
Classification: Likely benign for Tuberous sclerosis syndrome. Last evaluated: 2023-09-15. Review status: criteria provided, single submitter. Criteria: ACMG Guidelines, 2015. Collection method: clinical testing. Allele origin: germline.

NM_000548.5(TSC2):c.1840-11C>T

Gene: TSC2 (TSC complex subunit 2; plus strand). Cytogenetic location: 16p13.3.
Variant type: single nucleotide variant.
Coding change: c.1840-11C>T on transcript NM_000548.5 (MANE Select); 11 bases into the intron before coding-DNA position 1840, C replaced by T.
Molecular consequence: intron variant.
Genome position (GRCh38, 1-based): chr16:2,071,499, C>T. VCF-style: chr16-2071499-C-T. GRCh37 (hg19) VCF-style: chr16-2121500-C-T.
Other names: c.1840-11C>T (NM_001114382.3, NM_021055.3, NM_001370405.1 and 3 more transcripts); c.1729-11C>T (NM_001318827.2); c.1240-11C>T (NM_001318831.2); c.1693-11C>T (NM_001318829.2); c.1873-11C>T (NM_001318832.2).
Identifiers: ClinVar variation 1986447 (VCV001986447.6), dbSNP rs754804519, ClinGen allele CA2202021355.